The following is an entry in ClinVar:

NM_015272.5(RPGRIP1L):c.1652A>G (p.Tyr551Cys)

Gene: RPGRIP1L (RPGRIP1 like; minus strand). Cytogenetic location: 16q12.2.
Variant type: single nucleotide variant.
Coding change: c.1652A>G on transcript NM_015272.5 (MANE Select); coding-DNA position 1652, A replaced by G.
Protein change: p.Tyr551Cys; replaces tyrosine 551 with cysteine.
Molecular consequence: missense variant.
Genome position (GRCh38, 1-based): chr16:53,656,519, T>C on the plus strand (A>G on the coding strand, the complement: RPGRIP1L is on the minus strand). VCF-style: chr16-53656519-T-C. GRCh37 (hg19) VCF-style: chr16-53690431-T-C.
Other names: c.1652A>G (NM_015272.4); c.1652A>G, p.Tyr551Cys (NM_001127897.4, NM_001308334.3, NM_001330538.2); short protein forms Y551C.
Identifiers: ClinVar variation 998846 (VCV000998846.8), dbSNP rs1307023675, ClinGen allele CA395918168.
Genomic context (GRCh38, chr16:53,656,519, plus strand): 5'-GTATATGTTGTACCTTCTAGTTTATGGATACGTGCAGCCCTGATATCAAGAAGATGAACA[T>C]ACTGTTCCACTTTGAGTTCATAATCTTGCTGCAAATTTTCCATCTTACGGGTCACTGCCT-3'
Protein context (NP_056087.2, residues 541-561): QQDYELKVEQ[Tyr551Cys]VHLLDIRAAR

ClinVar aggregate classification (germline): Uncertain significance. Review status: criteria provided, single submitter (1 of 4 stars). 3 submissions from 3 submitters: Uncertain significance (1). 2 of the submissions do not count toward it. Last evaluated 2021-08-30.

Conditions:
Joubert syndrome. Also called: JOUBERT-BOLTSHAUSER SYNDROME; Familial aplasia of the vermis. Identifiers: Orphanet 475, MedGen C5979921, MONDO:0018772.
Meckel-Gruber syndrome. Also called: Dysencephalia splachnocystica; DYSENCEPHALIA SPLANCHNOCYSTICA; GRUBER SYNDROME. Identifiers: Orphanet 564, MedGen C0265215, MONDO:0018921.
RPGRIP1L-related disorder. Also called: RPGRIP1L-related disorders; RPGRIP1L-related condition. Identifiers: MedGen CN239416.

gnomAD v4.1: 3 of 1,613,924 alleles (0.00019%); highest among the groups gnomAD compares: African/African-American, 0.0013%; no homozygotes.

Submissions (3):

Labcorp Genetics (formerly Invitae), Labcorp
Classification: Uncertain significance for Joubert syndrome; Meckel-Gruber syndrome. Last evaluated: 2021-08-30. Review status: criteria provided, single submitter. Criteria: Invitae Variant Classification Sherloc (09022015). Collection method: clinical testing. Allele origin: germline.
Comment: This sequence change replaces tyrosine with cysteine at codon 551 of the RPGRIP1L protein (p.Tyr551Cys). The tyrosine residue is moderately conserved and there is a large physicochemical difference between tyrosine and cysteine. This variant is not present in population databases (ExAC no frequency). This variant has not been reported in the literature in individuals affected with RPGRIP1L-related conditions. Algorithms developed to predict the effect of missense changes on protein structure and function are either unavailable or do not agree on the potential impact of this missense change (SIFT: "Tolerated"; PolyPhen-2: "Probably Damaging"; Align-GVGD: "Class C0"). In summary, the available evidence is currently insufficient to determine the role of this variant in disease. Therefore, it has been classified as a Variant of Uncertain Significance.

PreventionGenetics, part of Exact Sciences
Classification: Uncertain significance for RPGRIP1L-related condition. Last evaluated: 2024-08-14. Review status: no assertion criteria provided. Collection method: clinical testing. Allele origin: germline. Not counted in ClinVar's aggregate classification.
Comment: The RPGRIP1L c.1652A>G variant is predicted to result in the amino acid substitution p.Tyr551Cys. To our knowledge, this variant has not been reported in the literature. This variant is reported in 0.011% of alleles in individuals of African descent in gnomAD. At this time, the clinical significance of this variant is uncertain due to the absence of conclusive functional and genetic evidence.

Natera, Inc.
Classification: Uncertain significance for Joubert syndrome. Last evaluated: 2021-07-26. Review status: no assertion criteria provided. Collection method: clinical testing. Allele origin: germline. Not counted in ClinVar's aggregate classification.